The following is an entry in ClinVar:

NM_000782.5(CYP24A1):c.505C>A (p.Pro169Thr)

Gene: CYP24A1 (cytochrome P450 family 24 subfamily A member 1; minus strand). Cytogenetic location: 20q13.2.
Variant type: single nucleotide variant.
Coding change: c.505C>A on transcript NM_000782.5 (MANE Select); coding-DNA position 505, C replaced by A.
Protein change: p.Pro169Thr; replaces proline 169 with threonine.
Molecular consequence: missense variant.
Genome position (GRCh38, 1-based): chr20:54,171,615, G>T on the plus strand (C>A on the coding strand, the complement: CYP24A1 is on the minus strand). VCF-style: chr20-54171615-G-T. GRCh37 (hg19) VCF-style: chr20-52788154-G-T.
Other names: c.505C>A, p.Pro169Thr (NM_001128915.2); short protein forms P169T.
Identifiers: ClinVar variation 935088 (VCV000935088.3), dbSNP rs2092694070, ClinGen allele CA409392647.

ClinVar aggregate classification (germline): Uncertain significance (1 of 4 stars; one submission).

Allele frequency attached by ClinVar (database versions not stated): TOPMed below 0.00001.
gnomAD v4.1: 14 of 1,613,814 alleles (0.00087%); highest among the groups gnomAD compares: South Asian, 0.0022%; no homozygotes.

Submission:

Labcorp Genetics (formerly Invitae), Labcorp
Classification: Uncertain significance. Last evaluated: 2024-10-05. Review status: criteria provided, single submitter. Criteria: Invitae Variant Classification Sherloc (09022015). Collection method: clinical testing. Allele origin: germline.
Comment: This sequence change replaces proline, which is neutral and non-polar, with threonine, which is neutral and polar, at codon 169 of the CYP24A1 protein (p.Pro169Thr). This variant is not present in population databases (gnomAD no frequency). This variant has not been reported in the literature in individuals affected with CYP24A1-related conditions. ClinVar contains an entry for this variant (Variation ID: 935088). Invitae Evidence Modeling of protein sequence and biophysical properties (such as structural, functional, and spatial information, amino acid conservation, physicochemical variation, residue mobility, and thermodynamic stability) indicates that this missense variant is not expected to disrupt CYP24A1 protein function with a negative predictive value of 95%. In summary, the available evidence is currently insufficient to determine the role of this variant in disease. Therefore, it has been classified as a Variant of Uncertain Significance.